The following is an entry in ClinVar:

NM_025114.4(CEP290):c.4302+5G>A

Gene: CEP290 (centrosomal protein 290; minus strand). Cytogenetic location: 12q21.32.
Variant type: single nucleotide variant.
Coding change: c.4302+5G>A on transcript NM_025114.4 (MANE Select); 5 bases into the intron after coding-DNA position 4302, G replaced by A.
Molecular consequence: intron variant.
Genome position (GRCh38, 1-based): chr12:88,086,386, C>T on the plus strand (G>A on the coding strand, the complement: CEP290 is on the minus strand). VCF-style: chr12-88086386-C-T. GRCh37 (hg19) VCF-style: chr12-88480163-C-T.
Identifiers: ClinVar variation 1464597 (VCV001464597.8), dbSNP rs1013125589, ClinGen allele CA241161499.

ClinVar aggregate classification (germline): Uncertain significance. Review status: criteria provided, multiple submitters, no conflicts (2 of 4 stars). 3 submissions from 3 submitters: Uncertain significance (3). Last evaluated 2022-03-04.

Conditions:
Meckel-Gruber syndrome. Also called: Dysencephalia splachnocystica; DYSENCEPHALIA SPLANCHNOCYSTICA; GRUBER SYNDROME. Identifiers: Orphanet 564, MedGen C0265215, MONDO:0018921.
Nephronophthisis. Also called: Juvenile Nephronophthisis. Identifiers: Orphanet 655, MedGen C0687120, MONDO:0019005, HP:0000090.
Joubert syndrome. Also called: Familial aplasia of the vermis; JOUBERT-BOLTSHAUSER SYNDROME. Identifiers: Orphanet 475, MedGen C5979921, MONDO:0018772.
Leber congenital amaurosis 10 (LCA10). Identifiers: Orphanet 65, MedGen C1857821, MONDO:0012723, OMIM 611755.
Joubert syndrome 5 (JBTS5). Identifiers: Orphanet 2318, MedGen C1857780, MONDO:0012432, OMIM 610188.
Senior-Loken syndrome 6 (SLSN6). Identifiers: Orphanet 3156, MedGen C1857779, MONDO:0012433, OMIM 610189.
Meckel syndrome, type 4 (MKS4). Also called: MECKEL-GRUBER SYNDROME, TYPE 4. Identifiers: Orphanet 564, MedGen C1970161, MONDO:0012626, OMIM 611134.
Bardet-Biedl syndrome 14 (BBS14). Identifiers: Orphanet 110, MedGen C2673874, MONDO:0014442, OMIM 615991.

Allele frequency attached by ClinVar (database versions not stated): gnomAD exomes below 0.00001; gnomAD 0.00001; TOPMed 0.00002.
gnomAD v4.1: 2 of 1,572,570 alleles (0.00013%); highest among the groups gnomAD compares: African/African-American, 0.0027%; no homozygotes.

Submissions (3):

Blueprint Genetics
Classification: Uncertain significance. Last evaluated: 2022-03-04. Review status: criteria provided, single submitter. Criteria: ACMG Guidelines, 2015. Collection method: clinical testing. Allele origin: germline.

Labcorp Genetics (formerly Invitae), Labcorp
Classification: Uncertain significance for Joubert syndrome; Meckel-Gruber syndrome; Nephronophthisis. Last evaluated: 2022-02-23. Review status: criteria provided, single submitter. Criteria: Invitae Variant Classification Sherloc (09022015). Collection method: clinical testing. Allele origin: germline.
Comment: This sequence change falls in intron 33 of the CEP290 gene. It does not directly change the encoded amino acid sequence of the CEP290 protein. It affects a nucleotide within the consensus splice site. This variant is present in population databases (no rsID available, gnomAD 0.01%). This variant has not been reported in the literature in individuals affected with CEP290-related conditions. Variants that disrupt the consensus splice site are a relatively common cause of aberrant splicing (PMID: 17576681, 9536098). Algorithms developed to predict the effect of sequence changes on RNA splicing suggest that this variant is not likely to affect RNA splicing. In summary, the available evidence is currently insufficient to determine the role of this variant in disease. Therefore, it has been classified as a Variant of Uncertain Significance.

Fulgent Genetics
Classification: Uncertain significance for Joubert syndrome 5; Senior-Loken syndrome 6; Meckel syndrome, type 4; Leber congenital amaurosis 10; Bardet-Biedl syndrome 14. Last evaluated: 2022-01-05. Review status: criteria provided, single submitter. Criteria: ACMG Guidelines, 2015. Collection method: clinical testing. Allele origin: unknown.

Literature cited by the submitters: PubMed 17576681 (cited by Labcorp Genetics (formerly Invitae), Labcorp); PubMed 9536098 (cited by Labcorp Genetics (formerly Invitae), Labcorp).